The following is an entry in ClinVar:

NM_030782.5(CLPTM1L):c.774C>T (p.Ala258=)

Gene: CLPTM1L (CLPTM1 like). Cytogenetic location: 5p15.33.
Variant type: single nucleotide variant.
Coding change: c.774C>T on transcript NM_030782.5 (MANE Select); coding-DNA position 774, C replaced by T.
Protein change: p.Ala258=; no amino-acid change (alanine 258 retained).
Molecular consequence: synonymous variant.
Genome position (GRCh38, 1-based): chr5:1,335,079, G>A on the plus strand (C>T on the coding strand, the complement: CLPTM1L is on the minus strand). VCF-style: chr5-1335079-G-A. GRCh37 (hg19) VCF-style: chr5-1335194-G-A.
Identifiers: ClinVar variation 3048647 (VCV003048647.2), dbSNP rs116659965, ClinGen allele CA3185502.
Genomic context (GRCh38, chr5:1,335,079, plus strand): 5'-GCGGCCTCACCCAGGCGCCGGCCGTGTGCGGCACATACCGAACTGCTGCAGGGAGTACAC[G>A]GCGTCCTGCATGTGGATCCAGAAGCGCAGCCGCCCCAGTGAGACCTTGTCGTAGGACACG-3'
Protein context (NP_110409.2, residues 248-268): RLRFWIHMQD[Ala258=]VYSLQQFGFS

ClinVar aggregate classification (germline): Benign (0 of 4 stars; one submission).

Conditions:
CLPTM1L-related disorder. Also called: CLPTM1L-related condition.

Allele frequency attached by ClinVar (database versions not stated): gnomAD exomes 0.00025; ExAC 0.00074; 1000 Genomes Project 0.00140; ESP Exome Variant Server 0.00208; gnomAD 0.00214; 1000 Genomes Project 30x 0.00234; TOPMed 0.00258.
gnomAD v4.1: 693 of 1,613,258 alleles (0.043%); highest among the groups gnomAD compares: African/African-American, 0.78%; 4 homozygotes.

Submission:

PreventionGenetics, part of Exact Sciences
Classification: Benign for CLPTM1L-related condition. Last evaluated: 2024-07-16. Review status: no assertion criteria provided. Collection method: clinical testing. Allele origin: germline.
Comment: This variant is classified as benign based on ACMG/AMP sequence variant interpretation guidelines (Richards et al. 2015 PMID: 25741868, with internal and published modifications).